The following is an entry in ClinVar:

NM_020937.4(FANCM):c.4976A>G (p.His1659Arg)

Gene: FANCM (FA complementation group M; plus strand). Cytogenetic location: 14q21.2.
Variant type: single nucleotide variant.
Coding change: c.4976A>G on transcript NM_020937.4 (MANE Select); coding-DNA position 4976, A replaced by G.
Protein change: p.His1659Arg; replaces histidine 1659 with arginine.
Molecular consequence: missense variant.
Genome position (GRCh38, 1-based): chr14:45,188,998, A>G. VCF-style: chr14-45188998-A-G. GRCh37 (hg19) VCF-style: chr14-45658201-A-G.
Other names: c.4898A>G, p.His1633Arg (NM_001308133.2); short protein forms H1633R, H1659R.
Identifiers: ClinVar variation 3252851 (VCV003252851.1), dbSNP rs1475874212.

ClinVar aggregate classification (germline): Uncertain significance (1 of 4 stars; one submission).

Submission:

GeneDx
Classification: Uncertain significance. Last evaluated: 2023-12-11. Review status: criteria provided, single submitter. Criteria: GeneDx Variant Classification Process June 2021. Collection method: clinical testing. Allele origin: germline. Affected: yes.
Comment: Not observed at significant frequency in large population cohorts (gnomAD); In silico analysis supports that this missense variant does not alter protein structure/function; Has not been previously published as pathogenic or benign to our knowledge